The following is an entry in ClinVar:

ClinVar aggregate classification (germline): Uncertain significance. Review status: criteria provided, multiple submitters, no conflicts (2 of 4 stars). 3 submissions from 3 submitters: Uncertain significance (3). Last evaluated 2025-08-18.

Conditions:
Inborn genetic diseases. Identifiers: MedGen C0950123, MeSH D030342.

Allele frequency attached by ClinVar (database versions not stated): gnomAD exomes 0.00001; gnomAD 0.00005; TOPMed 0.00005.
gnomAD v4.1: 22 of 1,611,418 alleles (0.0014%); highest among the groups gnomAD compares: Non-Finnish European, 0.0018%; no homozygotes.

Submissions (3):

Labcorp Genetics (formerly Invitae), Labcorp
Classification: Uncertain significance. Last evaluated: 2025-08-18. Review status: criteria provided, single submitter. Criteria: Invitae Variant Classification Sherloc (09022015). Collection method: clinical testing. Allele origin: germline.
Comment: This sequence change replaces proline, which is neutral and non-polar, with leucine, which is neutral and non-polar, at codon 782 of the C3 protein (p.Pro782Leu). This variant is present in population databases (no rsID available, gnomAD 0.002%). This variant has not been reported in the literature in individuals affected with C3-related conditions. ClinVar contains an entry for this variant (Variation ID: 2683472). An algorithm developed to predict the effect of missense changes on protein structure and function (PolyPhen-2) suggests that this variant is likely to be tolerated. In summary, the available evidence is currently insufficient to determine the role of this variant in disease. Therefore, it has been classified as a Variant of Uncertain Significance.

Ambry Genetics
Classification: Uncertain significance for Inborn genetic diseases. Last evaluated: 2024-04-08. Review status: criteria provided, single submitter. Criteria: Ambry Variant Classification Scheme 2023. Collection method: clinical testing. Allele origin: germline.

Mayo Clinic Laboratories, Mayo Clinic
Classification: Uncertain significance. Last evaluated: 2022-12-13. Review status: criteria provided, single submitter. Criteria: ACMG Guidelines, 2015. Collection method: clinical testing. Allele origin: germline. Observed: 1 variant allele.
Comment: BP4

NM_000064.4(C3):c.2345C>T (p.Pro782Leu)

Gene: C3 (complement C3; minus strand). Cytogenetic location: 19p13.3.
Variant type: single nucleotide variant.
Coding change: c.2345C>T on transcript NM_000064.4 (MANE Select); coding-DNA position 2345, C replaced by T.
Protein change: p.Pro782Leu; replaces proline 782 with leucine.
Molecular consequence: missense variant.
Genome position (GRCh38, 1-based): chr19:6,702,480, G>A on the plus strand (C>T on the coding strand, the complement: C3 is on the minus strand). VCF-style: chr19-6702480-G-A. GRCh37 (hg19) VCF-style: chr19-6702491-G-A.
Other names: p.Pro782Leu; short protein forms P782L.
Identifiers: ClinVar variation 2683472 (VCV002683472.4), dbSNP rs1027985891, ClinGen allele CA304789056.